The following is an entry in ClinVar:

NM_012243.3(SLC35A3):c.842C>A (p.Ser281Ter)

Gene: SLC35A3 (solute carrier family 35 member A3; plus strand). Cytogenetic location: 1p21.2.
Variant type: single nucleotide variant.
Coding change: c.842C>A on transcript NM_012243.3 (MANE Select); coding-DNA position 842, C replaced by A.
Protein change: p.Ser281Ter; replaces serine 281 with a stop codon.
Molecular consequence: nonsense. On other transcripts: intron variant (1).
Genome position (GRCh38, 1-based): chr1:100,017,770, C>A. VCF-style: chr1-100017770-C-A. GRCh37 (hg19) VCF-style: chr1-100483326-C-A.
Other names: c.968C>A, p.Ser323Ter (NM_001271685.2); c.635-4616C>A (NM_001271684.2); short protein forms S281*, S323*.
Identifiers: ClinVar variation 1420251 (VCV001420251.6), dbSNP rs1660258358, ClinGen allele CA341317574.

ClinVar aggregate classification (germline): Pathogenic (1 of 4 stars; one submission).

Conditions:
Autism spectrum disorder - epilepsy - arthrogryposis syndrome (AMRS). Identifiers: Orphanet 370943, MedGen C3809910, MONDO:0014248, OMIM 615553.

Allele frequency attached by ClinVar (database versions not stated): TOPMed below 0.00001; gnomAD 0.00001.

Submission:

Labcorp Genetics (formerly Invitae), Labcorp
Classification: Pathogenic for Autism spectrum disorder - epilepsy - arthrogryposis syndrome. Last evaluated: 2021-10-03. Review status: criteria provided, single submitter. Criteria: Invitae Variant Classification Sherloc (09022015). Collection method: clinical testing. Allele origin: germline.
Comment: This sequence change creates a premature translational stop signal (p.Ser281*) in the SLC35A3 gene. It is expected to result in an absent or disrupted protein product. Loss-of-function variants in SLC35A3 are known to be pathogenic (PMID: 24031089, 28328131). This variant is not present in population databases (ExAC no frequency). This variant has not been reported in the literature in individuals affected with SLC35A3-related conditions. For these reasons, this variant has been classified as Pathogenic.

Literature cited by the submitters: PubMed 24031089; PubMed 28328131.